The following is an entry in ClinVar:

NM_001082486.2(ACD):c.1351C>T (p.Pro451Ser)

Gene: ACD (ACD shelterin complex subunit and telomerase recruitment factor; minus strand). Cytogenetic location: 16q22.1.
Variant type: single nucleotide variant.
Coding change: c.1351C>T on transcript NM_001082486.2 (MANE Select); coding-DNA position 1351, C replaced by T.
Protein change: p.Pro451Ser; replaces proline 451 with serine.
Molecular consequence: missense variant.
Genome position (GRCh38, 1-based): chr16:67,657,632, G>A on the plus strand (C>T on the coding strand, the complement: ACD is on the minus strand). VCF-style: chr16-67657632-G-A. GRCh37 (hg19) VCF-style: chr16-67691535-G-A.
Other names: c.1264C>T, p.Pro422Ser (NM_001410884.1); c.1342C>T, p.Pro448Ser (NM_022914.3); short protein forms P422S, P448S, P451S.
Identifiers: ClinVar variation 2566756 (VCV002566756.2), dbSNP rs2543595671, ClinGen allele CA396349569.

ClinVar aggregate classification (germline): Uncertain significance (1 of 4 stars; one submission).

Conditions:
Inborn genetic diseases. Identifiers: MedGen C0950123, MeSH D030342.

Submission:

Ambry Genetics
Classification: Uncertain significance for Inborn genetic diseases. Last evaluated: 2023-04-07. Review status: criteria provided, single submitter. Criteria: Ambry Variant Classification Scheme 2023. Collection method: clinical testing. Allele origin: germline.
Comment: The p.P537S variant (also known as c.1609C>T), located in coding exon 12 of the ACD gene, results from a C to T substitution at nucleotide position 1609. The proline at codon 537 is replaced by serine, an amino acid with similar properties. This amino acid position is conserved. In addition, this alteration is predicted to be tolerated by in silico analysis. Since supporting evidence is limited at this time, the clinical significance of this alteration remains unclear.